The following is an entry in ClinVar:

NM_001048174.2(MUTYH):c.716A>G (p.Gln239Arg)

Gene: MUTYH (mutY DNA glycosylase; minus strand). Cytogenetic location: 1p34.1.
Variant type: single nucleotide variant.
Coding change: c.716A>G on transcript NM_001048174.2 (MANE Select); coding-DNA position 716, A replaced by G.
Protein change: p.Gln239Arg; replaces glutamine 239 with arginine.
Molecular consequence: missense variant. On other transcripts: non-coding transcript variant (7).
Genome position (GRCh38, 1-based): chr1:45,332,299, T>C on the plus strand (A>G on the coding strand, the complement: MUTYH is on the minus strand). VCF-style: chr1-45332299-T-C. GRCh37 (hg19) VCF-style: chr1-45797971-T-C.
Other names: c.716A>G, p.Gln239Arg (NM_001048171.2, NM_001407070.1, NM_001407072.1 and 6 more transcripts); c.719A>G, p.Gln240Arg (NM_001048172.2, NM_001407071.1, NM_001407078.1 and 1 more transcripts); c.371A>G, p.Gln124Arg (NM_001350651.2, NM_001350650.2, NM_001407082.1); c.749A>G, p.Gln250Arg (NM_001407069.1, NM_001407077.1, NM_001293191.2); c.632A>G, p.Gln211Arg (NM_001407075.1); c.440A>G, p.Gln147Arg (NM_001407091.1, NM_001293192.2, NM_001293196.2); c.791A>G, p.Gln264Arg (NM_012222.3); c.800A>G, p.Gln267Arg (NM_001128425.2); and 5 more; short protein forms Q147R, Q226R, Q240R, Q246R, Q250R, Q124R, Q254R, Q225R.
Identifiers: ClinVar variation 4113849 (VCV004113849.1).
Genomic context (GRCh38, chr1:45,332,299, plus strand): 5'-GCCCCTAGCTCCATGGCTGCTTGGTTGAAATCTCCTGGCCGGGCTGGGTCCACCAGCTGC[T>C]GGGCTAGACCCCTAAAAGAAGGGAACACTGCTGTGAAGCAGAGCTCCTTTGCAGACACCC-3'
Protein context (NP_001041639.1, residues 229-249): LVSQQLWGLA[Gln239Arg]QLVDPARPGD

ClinVar aggregate classification (germline): Uncertain significance (1 of 4 stars; one submission).

Conditions:
Hereditary cancer-predisposing syndrome. Also called: Hereditary neoplastic syndrome; Neoplastic Syndromes, Hereditary; Tumor predisposition; Hereditary Cancer Syndrome. Identifiers: Orphanet 140162, MedGen C0027672, MeSH D009386, MONDO:0015356.

Submission:

Ambry Genetics
Classification: Uncertain significance for Hereditary cancer-predisposing syndrome. Last evaluated: 2025-08-27. Review status: criteria provided, single submitter. Criteria: Ambry Variant Classification Scheme 2023. Collection method: clinical testing. Allele origin: germline.
Comment: The p.Q267R variant (also known as c.800A>G), located in coding exon 10 of the MUTYH gene, results from an A to G substitution at nucleotide position 800. The glutamine at codon 267 is replaced by arginine, an amino acid with highly similar properties. This amino acid position is conserved. In addition, the in silico prediction for this alteration is inconclusive. Based on the available evidence, the clinical significance of this variant remains unclear.